The following is an entry in ClinVar:

ClinVar aggregate classification (germline): Uncertain significance. Review status: criteria provided, multiple submitters, no conflicts (2 of 4 stars). 2 submissions from 2 submitters: Uncertain significance (2). Last evaluated 2024-08-19.

Conditions:
Inborn genetic diseases. Identifiers: MedGen C0950123, MeSH D030342.

Allele frequency attached by ClinVar (database versions not stated): gnomAD exomes 0.00006; TOPMed 0.00012; ExAC 0.00013.
gnomAD v4.1: 37 of 1,613,932 alleles (0.0023%); highest among the groups gnomAD compares: Admixed American, 0.062%; no homozygotes.

Submissions (2):

Ambry Genetics
Classification: Uncertain significance for Inborn genetic diseases. Last evaluated: 2024-08-19. Review status: criteria provided, single submitter. Criteria: Ambry Variant Classification Scheme 2023. Collection method: clinical testing. Allele origin: germline.

Labcorp Genetics (formerly Invitae), Labcorp
Classification: Uncertain significance. Last evaluated: 2022-07-07. Review status: criteria provided, single submitter. Criteria: Invitae Variant Classification Sherloc (09022015). Collection method: clinical testing. Allele origin: germline.
Comment: In summary, the available evidence is currently insufficient to determine the role of this variant in disease. Therefore, it has been classified as a Variant of Uncertain Significance. Algorithms developed to predict the effect of missense changes on protein structure and function (SIFT, PolyPhen-2, Align-GVGD) all suggest that this variant is likely to be disruptive. This variant has not been reported in the literature in individuals affected with MIPEP-related conditions. This variant is present in population databases (rs780504933, gnomAD 0.09%). This sequence change replaces tyrosine, which is neutral and polar, with histidine, which is basic and polar, at codon 579 of the MIPEP protein (p.Tyr579His).

NM_005932.4(MIPEP):c.1735T>C (p.Tyr579His)

Gene: MIPEP (mitochondrial intermediate peptidase; minus strand). Cytogenetic location: 13q12.12.
Variant type: single nucleotide variant.
Coding change: c.1735T>C on transcript NM_005932.4 (MANE Select); coding-DNA position 1735, T replaced by C.
Protein change: p.Tyr579His; replaces tyrosine 579 with histidine.
Molecular consequence: missense variant.
Genome position (GRCh38, 1-based): chr13:23,806,063, A>G on the plus strand (T>C on the coding strand, the complement: MIPEP is on the minus strand). VCF-style: chr13-23806063-A-G. GRCh37 (hg19) VCF-style: chr13-24380202-A-G.
Other names: c.1735T>C (NM_005932.3); short protein forms Y579H.
Identifiers: ClinVar variation 2173946 (VCV002173946.4), dbSNP rs780504933, ClinGen allele CA6912874.